The following is an entry in ClinVar:

ClinVar aggregate classification (germline): Uncertain significance (1 of 4 stars; one submission).

Allele frequency attached by ClinVar (database versions not stated): TOPMed below 0.00001; ExAC 0.00002.
gnomAD v4.1: 5 of 1,613,666 alleles (0.00031%); highest among the groups gnomAD compares: Admixed American, 0.0083%; no homozygotes.

Submission:

Labcorp Genetics (formerly Invitae), Labcorp
Classification: Uncertain significance. Last evaluated: 2024-10-21. Review status: criteria provided, single submitter. Criteria: Invitae Variant Classification Sherloc (09022015). Collection method: clinical testing. Allele origin: germline.
Comment: This sequence change replaces aspartic acid, which is acidic and polar, with glutamic acid, which is acidic and polar, at codon 1176 of the LTBP2 protein (p.Asp1176Glu). This variant is present in population databases (rs754605299, gnomAD 0.01%). This variant has not been reported in the literature in individuals affected with LTBP2-related conditions. An algorithm developed to predict the effect of missense changes on protein structure and function (PolyPhen-2) suggests that this variant is likely to be disruptive. In summary, the available evidence is currently insufficient to determine the role of this variant in disease. Therefore, it has been classified as a Variant of Uncertain Significance.

NM_000428.3(LTBP2):c.3528T>A (p.Asp1176Glu)

Gene: LTBP2 (latent transforming growth factor beta binding protein 2; minus strand). Cytogenetic location: 14q24.3.
Variant type: single nucleotide variant.
Coding change: c.3528T>A on transcript NM_000428.3 (MANE Select); coding-DNA position 3528, T replaced by A.
Protein change: p.Asp1176Glu; replaces aspartic acid 1176 with glutamic acid.
Molecular consequence: missense variant.
Genome position (GRCh38, 1-based): chr14:74,508,728, A>T on the plus strand (T>A on the coding strand, the complement: LTBP2 is on the minus strand). VCF-style: chr14-74508728-A-T. GRCh37 (hg19) VCF-style: chr14-74975431-A-T.
Other names: short protein forms D1176E.
Identifiers: ClinVar variation 2712630 (VCV002712630.3), dbSNP rs754605299, ClinGen allele CA7269123.